The following is an entry in ClinVar:

ClinVar aggregate classification (germline): Uncertain significance (1 of 4 stars; one submission).

Conditions:
Developmental and epileptic encephalopathy, 37 (DEE37). Also called: Epileptic encephalopathy, early infantile, 37. Identifiers: MedGen C4310770, MONDO:0014859, OMIM 616981.

Allele frequency attached by ClinVar (database versions not stated): gnomAD exomes below 0.00001; gnomAD 0.00001; TOPMed 0.00001.
gnomAD v4.1: 4 of 1,613,454 alleles (0.00025%); highest among the groups gnomAD compares: Middle Eastern, 0.016%; no homozygotes.

Submission:

Labcorp Genetics (formerly Invitae), Labcorp
Classification: Uncertain significance for Developmental and epileptic encephalopathy, 37. Last evaluated: 2022-07-06. Review status: criteria provided, single submitter. Criteria: Invitae Variant Classification Sherloc (09022015). Collection method: clinical testing. Allele origin: germline.
Comment: This sequence change replaces isoleucine, which is neutral and non-polar, with serine, which is neutral and polar, at codon 313 of the FRRS1L protein (p.Ile313Ser). This variant is not present in population databases (gnomAD no frequency). This variant has not been reported in the literature in individuals affected with FRRS1L-related conditions. ClinVar contains an entry for this variant (Variation ID: 1486634). Algorithms developed to predict the effect of missense changes on protein structure and function are either unavailable or do not agree on the potential impact of this missense change (SIFT: "Deleterious"; PolyPhen-2: "Benign"; Align-GVGD: "Class C65"). In summary, the available evidence is currently insufficient to determine the role of this variant in disease. Therefore, it has been classified as a Variant of Uncertain Significance.

NM_014334.4(FRRS1L):c.785T>G (p.Ile262Ser)

Gene: FRRS1L (ferric chelate reductase 1 like; minus strand). Cytogenetic location: 9q31.3.
Variant type: single nucleotide variant.
Coding change: c.785T>G on transcript NM_014334.4 (MANE Select); coding-DNA position 785, T replaced by G.
Protein change: p.Ile262Ser; replaces isoleucine 262 with serine.
Molecular consequence: missense variant.
Genome position (GRCh38, 1-based): chr9:109,137,552, A>C on the plus strand (T>G on the coding strand, the complement: FRRS1L is on the minus strand). VCF-style: chr9-109137552-A-C. GRCh37 (hg19) VCF-style: chr9-111899832-A-C.
Other names: short protein forms I262S.
Identifiers: ClinVar variation 1486634 (VCV001486634.3), dbSNP rs1831128341, ClinGen allele CA374423063.